The following is an entry in ClinVar:

ClinVar aggregate classification (germline): Likely pathogenic (1 of 4 stars; one submission).

Submission:

GeneDx
Classification: Likely pathogenic. Last evaluated: 2018-05-14. Review status: criteria provided, single submitter. Criteria: GeneDx Variant Classification (06012015). Collection method: clinical testing. Allele origin: germline. Affected: yes.
Comment: The c.1684+1 G>A splice site variant has not been published as a pathogenic variant, nor has it been reported as a benign variant to our knowledge. The variant is not observed in large population cohorts (Lek et al., 2016). It destroys the canonical splice donor site in intron 16. It is predicted to cause abnormal gene splicing, either leading to an abnormal message that is subject to nonsense-mediated mRNA decay, or to an abnormal protein product if the message is used for protein translation. In summary, we consider this variant to be likely pathogenic.

NM_001378609.3(OTOGL):c.1711+1G>A

Gene: OTOGL (otogelin like; plus strand). Cytogenetic location: 12q21.31.
Variant type: single nucleotide variant.
Coding change: c.1711+1G>A on transcript NM_001378609.3 (MANE Select); the canonical splice donor site of the intron after coding-DNA position 1711, G replaced by A.
Molecular consequence: splice donor variant.
Genome position (GRCh38, 1-based): chr12:80,256,461, G>A. VCF-style: chr12-80256461-G-A. GRCh37 (hg19) VCF-style: chr12-80650241-G-A.
Other names: c.1711+1G>A (NM_001368062.3, NM_001378610.3, NM_173591.7).
Identifiers: ClinVar variation 546161 (VCV000546161.2), dbSNP rs1555286164, ClinGen allele CA385853817.